The following is an entry in ClinVar:

ClinVar aggregate classification (germline): Uncertain significance (1 of 4 stars; one submission).

Conditions:
COG5-congenital disorder of glycosylation. Also called: COG5-CDG; CDG IIi; CONGENITAL DISORDER OF GLYCOSYLATION, TYPE IIi. Identifiers: Orphanet 263487, MedGen C3150876, MONDO:0013325, OMIM 613612.

Submission:

Labcorp Genetics (formerly Invitae), Labcorp
Classification: Uncertain significance for COG5-congenital disorder of glycosylation. Last evaluated: 2022-08-09. Review status: criteria provided, single submitter. Criteria: Invitae Variant Classification Sherloc (09022015). Collection method: clinical testing. Allele origin: germline.
Comment: This variant has not been reported in the literature in individuals affected with COG5-related conditions. Algorithms developed to predict the effect of missense changes on protein structure and function (SIFT, PolyPhen-2, Align-GVGD) all suggest that this variant is likely to be tolerated. In summary, the available evidence is currently insufficient to determine the role of this variant in disease. Therefore, it has been classified as a Variant of Uncertain Significance. This sequence change replaces histidine, which is basic and polar, with proline, which is neutral and non-polar, at codon 682 of the COG5 protein (p.His682Pro). This variant is not present in population databases (gnomAD no frequency).

NM_006348.5(COG5):c.1952A>C (p.His651Pro)

Gene: COG5 (component of oligomeric golgi complex 5; minus strand). Cytogenetic location: 7q22.3.
Variant type: single nucleotide variant.
Coding change: c.1952A>C on transcript NM_006348.5 (MANE Select); coding-DNA position 1952, A replaced by C.
Protein change: p.His651Pro; replaces histidine 651 with proline.
Molecular consequence: missense variant. On other transcripts: intron variant (1).
Genome position (GRCh38, 1-based): chr7:107,236,589, T>G on the plus strand (A>C on the coding strand, the complement: COG5 is on the minus strand). VCF-style: chr7-107236589-T-G. GRCh37 (hg19) VCF-style: chr7-106877034-T-G.
Other names: c.1952A>C, p.His651Pro (NM_001161520.2, NM_001379513.1); c.1790A>C, p.His597Pro (NM_001379511.1); c.1778A>C, p.His593Pro (NM_001379512.1); c.1382A>C, p.His461Pro (NM_001379515.1); c.1238A>C, p.His413Pro (NM_001379516.1); c.1889A>C, p.His630Pro (NM_181733.4); c.1853+11807A>C (NM_001379514.1); short protein forms H630P, H651P, H413P, H461P, H593P, H597P.
Identifiers: ClinVar variation 2107775 (VCV002107775.4), dbSNP rs2535880776, ClinGen allele CA368939618.